The following is an entry in ClinVar:

NM_017742.6(ZCCHC2):c.363G>C (p.Leu121=)

Gene: ZCCHC2 (zinc finger CCHC-type containing 2; plus strand). Cytogenetic location: 18q21.33.
Variant type: single nucleotide variant.
Coding change: c.363G>C on transcript NM_017742.6 (MANE Select); coding-DNA position 363, G replaced by C.
Protein change: p.Leu121=; no amino-acid change (leucine 121 retained).
Molecular consequence: synonymous variant. On other transcripts: non-coding transcript variant (1).
Genome position (GRCh38, 1-based): chr18:62,523,787, G>C. VCF-style: chr18-62523787-G-C. GRCh37 (hg19) VCF-style: chr18-60191020-G-C.
Identifiers: ClinVar variation 2648778 (VCV002648778.24), dbSNP rs753184953, ClinGen allele CA8984081.

ClinVar aggregate classification (germline): Likely benign (1 of 4 stars; one submission).

Allele frequency attached by ClinVar (database versions not stated): TOPMed 0.00075; gnomAD 0.00083; ExAC 0.00185.
gnomAD v4.1: 1,168 of 1,540,406 alleles (0.076%); highest among the groups gnomAD compares: Middle Eastern, 0.12%; 2 homozygotes.

Submission:

CeGaT Center for Human Genetics Tuebingen
Classification: Likely benign. Last evaluated: 2022-12-01. Review status: criteria provided, single submitter. Criteria: CeGaT Center For Human Genetics Tuebingen Variant Classification Criteria Version 2. Collection method: clinical testing. Allele origin: germline. Affected: yes. Observed: 1 variant allele.
Comment: ZCCHC2: BP4, BP7